The following is an entry in ClinVar:

NM_025132.4(WDR19):c.1012A>T (p.Thr338Ser)

Gene: WDR19 (WD repeat domain 19; plus strand). Cytogenetic location: 4p14.
Variant type: single nucleotide variant.
Coding change: c.1012A>T on transcript NM_025132.4 (MANE Select); coding-DNA position 1012, A replaced by T.
Protein change: p.Thr338Ser; replaces threonine 338 with serine.
Molecular consequence: missense variant.
Genome position (GRCh38, 1-based): chr4:39,215,891, A>T. VCF-style: chr4-39215891-A-T. GRCh37 (hg19) VCF-style: chr4-39217511-A-T.
Other names: c.532A>T, p.Thr178Ser (NM_001317924.2); short protein forms T178S, T338S.
Identifiers: ClinVar variation 1364367 (VCV001364367.8), dbSNP rs1729016178, ClinGen allele CA356629864.

ClinVar aggregate classification (germline): Uncertain significance (1 of 4 stars; one submission).

Conditions:
Asphyxiating thoracic dystrophy 5 (SRTD5). Also called: SHORT-RIB THORACIC DYSPLASIA 5 WITHOUT POLYDACTYLY; SHORT-RIB THORACIC DYSPLASIA 5 WITH OR WITHOUT POLYDACTYLY. Identifiers: Orphanet 474, MedGen C3280598, MONDO:0013717, OMIM 614376.
Senior-Loken syndrome 8 (SLSN8). Identifiers: Orphanet 3156, MedGen C4225376, MONDO:0014579, OMIM 616307.

Allele frequency attached by ClinVar (database versions not stated): gnomAD exomes below 0.00001.
gnomAD v4.1: 1 of 1,613,812 alleles (0.000062%); highest among the groups gnomAD compares: Non-Finnish European, 0.000085%; no homozygotes.

Submission:

Labcorp Genetics (formerly Invitae), Labcorp
Classification: Uncertain significance for Senior-Loken syndrome 8; Asphyxiating thoracic dystrophy 5. Last evaluated: 2021-06-28. Review status: criteria provided, single submitter. Criteria: Invitae Variant Classification Sherloc (09022015). Collection method: clinical testing. Allele origin: germline.
Comment: This sequence change replaces threonine with serine at codon 338 of the WDR19 protein (p.Thr338Ser). The threonine residue is highly conserved and there is a small physicochemical difference between threonine and serine. This variant is not present in population databases (ExAC no frequency). This variant has not been reported in the literature in individuals affected with WDR19-related conditions. Algorithms developed to predict the effect of missense changes on protein structure and function (SIFT, PolyPhen-2, Align-GVGD) all suggest that this variant is likely to be tolerated. In summary, the available evidence is currently insufficient to determine the role of this variant in disease. Therefore, it has been classified as a Variant of Uncertain Significance.